The following is an entry in ClinVar:

ClinVar aggregate classification (germline): Likely pathogenic (1 of 4 stars; one submission).

Conditions:
Hereditary cancer-predisposing syndrome. Also called: Neoplastic Syndromes, Hereditary; Tumor predisposition; Hereditary Cancer Syndrome; Hereditary neoplastic syndrome. Identifiers: Orphanet 140162, MedGen C0027672, MeSH D009386, MONDO:0015356.

Submission:

Ambry Genetics
Classification: Likely pathogenic for Hereditary cancer-predisposing syndrome. Last evaluated: 2017-08-03. Review status: criteria provided, single submitter. Criteria: Ambry Variant Classification Scheme 2023. Collection method: clinical testing. Allele origin: germline.
Comment: The p.F119L variant (also known as c.357C>A), located in coding exon 2 of the VHL gene, results from a C to A substitution at nucleotide position 357. The phenylalanine at codon 119 is replaced by leucine, an amino acid with highly similar properties. In one study, in silico, in vitro, and bacterial assays showed that the p.F119L alteration results in loss of folding, stability, and function of the VHL protein (Shmueli MD et al. PLoS ONE. 2013 Jun;8:e66333). Based on internal structural assessment, this alteration results in critical structural destabilization of the core of the protein (Van Molle I et al. Chem. Biol. 2012 Oct;19:1300-12). The p.F119L alteration has been reported in a patient with non-syndromic pheochromocytoma (Neumann HP et al. N. Engl. J. Med. 2002 May;346:1459-66) and in a patient with bilateral adrenal phenochormocytoma and a carotid paraganglioma (Boedeker CC et al. J. Clin. Endocrinol. Metab. 2009 Jun;94:1938-44). A similar alteration with a different nucleotide change but the same amino acid change (c.357C>G p.F119L) has also been identified in multiple individuals/families with a clinical diagnosis or suspicion of von-Hippel-Lindau (VHL) syndrome (Zbar B et al. Hum. Mutat. 1996;8:348-57; Bausch B et al. J Transl Med Epidemiol. 2014 2(1):1019; Klein B et al. Hum. Genet. 2001 May;108:376-84). Of note, the c.357C>G alteration is also designated as 570C>G in published literature. This amino acid position is highly conserved in available vertebrate species. In addition, this alteration is predicted to be deleterious by in silico analysis. Based on the majority of available evidence to date, this variant is likely to be pathogenic.

Literature cited by the submitters: PubMed 11409863; PubMed 12000816; PubMed 19336503; PubMed 23102223; PubMed 23840444; PubMed 7728151; PubMed 8956040.

NM_000551.4(VHL):c.357C>A (p.Phe119Leu)

Genes: VHL (von Hippel-Lindau tumor suppressor; plus strand), LOC107303340 (3p25 von Hippel-Lindau tumor suppressor, E3 ubiquitin protein ligase Alu-mediated recombination region; plus strand). Cytogenetic location: 3p25.3.
Variant type: single nucleotide variant.
Coding change: c.357C>A on transcript NM_000551.4 (MANE Select); coding-DNA position 357, C replaced by A.
Protein change: p.Phe119Leu; replaces phenylalanine 119 with leucine.
Molecular consequence: missense variant. On other transcripts: intron variant (2).
Genome position (GRCh38, 1-based): chr3:10,146,530, C>A. VCF-style: chr3-10146530-C-A. GRCh37 (hg19) VCF-style: chr3-10188214-C-A.
Other names: c.*18-3257C>A (NM_001354723.2); c.341-3257C>A (NM_198156.3); short protein forms F119L.
Identifiers: ClinVar variation 1732864 (VCV001732864.2), dbSNP rs1559428077, ClinGen allele CA351753724.